The following is an entry in ClinVar:

NM_001365536.1(SCN9A):c.3796_3801+23del

Genes: SCN1A-AS1 (SCN1A and SCN9A antisense RNA 1; plus strand), SCN9A (sodium voltage-gated channel alpha subunit 9; minus strand). Cytogenetic location: 2q24.3.
Variant type: Deletion.
Coding change: c.3796_3801+23del on transcript NM_001365536.1 (MANE Select); coding-DNA position 3796 through 23 bases into the intron after coding-DNA position 3801, 29 bases deleted (GTTGATGTAGGTACTTTTGAGTACATTTT).
Molecular consequence: splice donor variant.
Genome position (GRCh38, 1-based): chr2:166,238,071-166,238,099, AAAATGTACTCAAAAGTACCTACATCAAC deleted on the plus strand (GTTGATGTAGGTACTTTTGAGTACATTTT on the coding strand, the reverse complement: SCN9A is on the minus strand); deleting any 29 consecutive bases within chr2:166,238,071-166,238,101 gives the same sequence; the c. name uses the placement nearest the transcript's 3' end. VCF-style (leftmost placement, unchanged base first): chr2-166238070-TAAAATGTACTCAAAAGTACCTACATCAAC-T. GRCh37 (hg19) VCF-style: chr2-167094580-TAAAATGTACTCAAAAGTACCTACATCAAC-T.
Other names: c.3763_3768+23del (NM_002977.4).
Identifiers: ClinVar variation 1520125 (VCV001520125.6), dbSNP rs1471163637, ClinGen allele CA760189611.

ClinVar aggregate classification (germline): Likely pathogenic (1 of 4 stars; one submission).

Conditions:
Neuropathy, hereditary sensory and autonomic, type 2A (HSAN2A). Also called: HSAN IIA; WNK1-Related HSAN2 (HSAN2A); MORVAN DISEASE; NEUROPATHY, CONGENITAL SENSORY; NEUROPATHY, HEREDITARY SENSORY RADICULAR, AUTOSOMAL RECESSIVE; NEUROPATHY, HEREDITARY SENSORY, TYPE IIA. Identifiers: Orphanet 970, MedGen C2752089, MONDO:0024309, OMIM 201300.
Generalized epilepsy with febrile seizures plus, type 7 (GEFSP7). Also called: GEFS+, TYPE 7. Identifiers: Orphanet 36387, MedGen C2751778, MONDO:0013470, OMIM 613863.

Submission:

Labcorp Genetics (formerly Invitae), Labcorp
Classification: Likely pathogenic for Neuropathy, hereditary sensory and autonomic, type 2A; Generalized epilepsy with febrile seizures plus, type 7. Last evaluated: 2024-03-31. Review status: criteria provided, single submitter. Criteria: Invitae Variant Classification Sherloc (09022015). Collection method: clinical testing. Allele origin: germline.
Comment: This variant results in the deletion of part of exon 20 (c.3763_3768+23del) of the SCN9A gene. It is expected to disrupt RNA splicing. Variants that disrupt the donor or acceptor splice site typically lead to a loss of protein function (PMID: 16199547), and loss-of-function variants in SCN9A are known to be pathogenic (PMID: 17470132, 19304393). This variant is not present in population databases (gnomAD no frequency). This variant has not been reported in the literature in individuals affected with SCN9A-related conditions. ClinVar contains an entry for this variant (Variation ID: 1520125). In summary, the currently available evidence indicates that the variant is pathogenic, but additional data are needed to prove that conclusively. Therefore, this variant has been classified as Likely Pathogenic.

Literature cited by the submitters: PubMed 16199547; PubMed 17470132; PubMed 19304393.